The following is an entry in ClinVar:

ClinVar aggregate classification (germline): Conflicting classifications of pathogenicity. Review status: criteria provided, conflicting classifications (1 of 4 stars). 3 submissions from 3 submitters: Uncertain significance (2); Likely benign (1). Last evaluated 2026-05-27.

Conditions:
Inborn genetic diseases. Identifiers: MedGen C0950123, MeSH D030342.
Bethlem myopathy 1A. Also called: MYOPATHY, BENIGN CONGENITAL, WITH CONTRACTURES; Bethlem myopathy 1; Bethlem Muscular Dystrophy. Identifiers: Orphanet 610, MedGen CN029274, MONDO:0024530, OMIM 158810.

Submissions (3):

Women's Health and Genetics/Laboratory Corporation of America, LabCorp
Classification: Uncertain significance. Last evaluated: 2026-05-27. Review status: criteria provided, single submitter. Criteria: LabCorp Variant Classification Summary - May 2015. Collection method: clinical testing. Allele origin: germline.
Comment: Variant summary: COL6A1 c.322G>A (p.Gly108Ser) results in a non-conservative amino acid change in the encoded protein sequence. Algorithms developed to predict the effect of missense changes on protein structure and function are either unavailable or do not agree on the potential impact of this missense change. The variant was absent in 249038 control chromosomes. The available data on variant occurrences in the general population are insufficient to allow any conclusion about variant significance. To our knowledge, no occurrence of c.322G>A in individuals affected with COL6A1-related conditions and no experimental evidence demonstrating its impact on protein function have been reported. ClinVar contains an entry for this variant (Variation ID: 3495655). Based on the evidence outlined above, the variant was classified as uncertain significance.

Labcorp Genetics (formerly Invitae), Labcorp
Classification: Uncertain significance for Bethlem myopathy 1A. Last evaluated: 2024-12-09. Review status: criteria provided, single submitter. Criteria: Invitae Variant Classification Sherloc (09022015). Collection method: clinical testing. Allele origin: germline.
Comment: This sequence change replaces glycine, which is neutral and non-polar, with serine, which is neutral and polar, at codon 108 of the COL6A1 protein (p.Gly108Ser). This variant is not present in population databases (gnomAD no frequency). This variant has not been reported in the literature in individuals affected with COL6A1-related conditions. An algorithm developed to predict the effect of missense changes on protein structure and function outputs the following: PolyPhen-2: "Not Available". The serine amino acid residue is found in multiple mammalian species, which suggests that this missense change does not adversely affect protein function. In summary, the available evidence is currently insufficient to determine the role of this variant in disease. Therefore, it has been classified as a Variant of Uncertain Significance.

Ambry Genetics
Classification: Likely benign for Inborn genetic diseases. Last evaluated: 2024-10-25. Review status: criteria provided, single submitter. Criteria: Ambry Variant Classification Scheme 2023. Collection method: clinical testing. Allele origin: germline.

NM_001848.3(COL6A1):c.322G>A (p.Gly108Ser)

Gene: COL6A1 (collagen type VI alpha 1 chain; plus strand). Cytogenetic location: 21q22.3.
Variant type: single nucleotide variant.
Coding change: c.322G>A on transcript NM_001848.3 (MANE Select); coding-DNA position 322, G replaced by A.
Protein change: p.Gly108Ser; replaces glycine 108 with serine.
Molecular consequence: missense variant.
Genome position (GRCh38, 1-based): chr21:45,984,363, G>A. VCF-style: chr21-45984363-G-A. GRCh37 (hg19) VCF-style: chr21-47404277-G-A.
Other names: short protein forms G108S.
Identifiers: ClinVar variation 3495655 (VCV003495655.4).